The following is an entry in ClinVar:

ClinVar aggregate classification (germline): Likely benign (1 of 4 stars; one submission).

Submission:

CeGaT Center for Human Genetics Tuebingen
Classification: Likely benign. Last evaluated: 2026-07-01. Review status: criteria provided, single submitter. Criteria: CeGaT Center For Human Genetics Tuebingen Variant Classification Criteria Version 2. Collection method: clinical testing. Allele origin: germline. Affected: yes. Observed: 1 variant allele.
Comment: VPS33B: PM2:Supporting, BP4, BP7

NM_018668.5(VPS33B):c.645T>C (p.Asp215=)

Gene: VPS33B (VPS33B late endosome and lysosome associated; minus strand). Cytogenetic location: 15q26.1.
Variant type: single nucleotide variant.
Coding change: c.645T>C on transcript NM_018668.5 (MANE Select); coding-DNA position 645, T replaced by C.
Protein change: p.Asp215=; no amino-acid change (aspartic acid 215 retained).
Molecular consequence: synonymous variant.
Genome position (GRCh38, 1-based): chr15:91,007,005, A>G on the plus strand (T>C on the coding strand, the complement: VPS33B is on the minus strand). VCF-style: chr15-91007005-A-G. GRCh37 (hg19) VCF-style: chr15-91550235-A-G.
Other names: c.564T>C, p.Asp188= (NM_001289148.1); c.372T>C, p.Asp124= (NM_001289149.1).
Identifiers: ClinVar variation 5039831 (VCV005039831.1).